The following is an entry in ClinVar:

NM_000260.4(MYO7A):c.6470T>A (p.Ile2157Asn)

Gene: MYO7A (myosin VIIA; plus strand). Cytogenetic location: 11q13.5.
Variant type: single nucleotide variant.
Coding change: c.6470T>A on transcript NM_000260.4 (MANE Select); coding-DNA position 6470, T replaced by A.
Protein change: p.Ile2157Asn; replaces isoleucine 2157 with asparagine.
Molecular consequence: missense variant.
Genome position (GRCh38, 1-based): chr11:77,213,891, T>A. VCF-style: chr11-77213891-T-A. GRCh37 (hg19) VCF-style: chr11-76924936-T-A.
Other names: c.6350T>A, p.Ile2117Asn (NM_001127180.2); c.6323T>A, p.Ile2108Asn (NM_001369365.1); short protein forms I2108N, I2117N, I2157N.
Identifiers: ClinVar variation 2501375 (VCV002501375.1), dbSNP rs368744981, ClinGen allele CA381937885.

ClinVar aggregate classification (germline): Uncertain significance (1 of 4 stars; one submission).

Submission:

GeneDx
Classification: Uncertain significance. Last evaluated: 2022-11-01. Review status: criteria provided, single submitter. Criteria: GeneDx Variant Classification Process June 2021. Collection method: clinical testing. Allele origin: germline. Affected: yes.
Comment: Not observed at significant frequency in large population cohorts (gnomAD); In silico analysis supports that this missense variant has a deleterious effect on protein structure/function; Has not been previously published as pathogenic or benign to our knowledge